The following is an entry in ClinVar:

NM_001363711.2(DUOX2):c.3260C>T (p.Ala1087Val)

Gene: DUOX2 (dual oxidase 2; minus strand). Cytogenetic location: 15q21.1.
Variant type: single nucleotide variant.
Coding change: c.3260C>T on transcript NM_001363711.2 (MANE Select); coding-DNA position 3260, C replaced by T.
Protein change: p.Ala1087Val; replaces alanine 1087 with valine.
Molecular consequence: missense variant.
Genome position (GRCh38, 1-based): chr15:45,099,817, G>A on the plus strand (C>T on the coding strand, the complement: DUOX2 is on the minus strand). VCF-style: chr15-45099817-G-A. GRCh37 (hg19) VCF-style: chr15-45392015-G-A.
Other names: c.3260C>T, p.Ala1087Val (NM_014080.5); short protein forms A1087V.
Identifiers: ClinVar variation 2179626 (VCV002179626.5), dbSNP rs776772769, ClinGen allele CA7537941.

ClinVar aggregate classification (germline): Uncertain significance. Review status: criteria provided, multiple submitters, no conflicts (2 of 4 stars). 2 submissions from 2 submitters: Uncertain significance (2). Last evaluated 2025-07-30.

Allele frequency attached by ClinVar (database versions not stated): gnomAD exomes 0.00001; gnomAD 0.00002; ExAC 0.00004; TOPMed 0.00005.

Submissions (2):

Labcorp Genetics (formerly Invitae), Labcorp
Classification: Uncertain significance. Last evaluated: 2025-07-30. Review status: criteria provided, single submitter. Criteria: Invitae Variant Classification Sherloc (09022015). Collection method: clinical testing. Allele origin: germline.
Comment: This sequence change replaces alanine, which is neutral and non-polar, with valine, which is neutral and non-polar, at codon 1087 of the DUOX2 protein (p.Ala1087Val). This variant is present in population databases (rs776772769, gnomAD 0.01%). This missense change has been observed in individual(s) with congenital hypothyroidism (PMID: 33631011). ClinVar contains an entry for this variant (Variation ID: 2179626). Invitae Evidence Modeling of protein sequence and biophysical properties (such as structural, functional, and spatial information, amino acid conservation, physicochemical variation, residue mobility, and thermodynamic stability) indicates that this missense variant is expected to disrupt DUOX2 protein function with a positive predictive value of 80%. In summary, the available evidence is currently insufficient to determine the role of this variant in disease. Therefore, it has been classified as a Variant of Uncertain Significance.

Women's Health and Genetics/Laboratory Corporation of America, LabCorp
Classification: Uncertain significance. Last evaluated: 2024-05-10. Review status: criteria provided, single submitter. Criteria: LabCorp Variant Classification Summary - May 2015. Collection method: clinical testing. Allele origin: germline.
Comment: Variant summary: DUOX2 c.3260C>T (p.Ala1087Val) results in a non-conservative amino acid change in the encoded protein sequence. Five of five in-silico tools predict a damaging effect of the variant on protein function. The variant allele was found at a frequency of 2.8e-05 in 251458 control chromosomes. The available data on variant occurrences in the general population are insufficient to allow any conclusion about variant significance. c.3260C>T has been reported in the literature in at least one individual affected with Congenital Hypothyroidism (e.g. Wang_2021). These report(s) do not provide unequivocal conclusions about association of the variant with Thyroid Dyshormonogenesis 6. To our knowledge, no experimental evidence demonstrating an impact on protein function has been reported. The following publication has been ascertained in the context of this evaluation (PMID: 33631011). ClinVar contains an entry for this variant (Variation ID: 2179626). Based on the evidence outlined above, the variant was classified as uncertain significance.

Literature cited by the submitters: PubMed 33631011 (cited by Labcorp Genetics (formerly Invitae), Labcorp and Women's Health and Genetics/Laboratory Corporation of America, LabCorp).